The following is an entry in ClinVar:

ClinVar aggregate classification (germline): Conflicting classifications of pathogenicity. Review status: criteria provided, conflicting classifications (1 of 4 stars). 4 submissions from 4 submitters: Uncertain significance (3); Likely benign (1). Last evaluated 2025-02-26.

Conditions:
Familial cancer of breast. Also called: BREAST CANCER, FAMILIAL; hereditary breast carcinoma; Hereditary breast cancer. Identifiers: Orphanet 227535, MedGen C0346153, MONDO:0016419, OMIM 114480. Disease mechanism: loss of function.
Ataxia-telangiectasia syndrome (AT). Also called: Ataxia-telangiectasia, complementation group D; AT, COMPLEMENTATION GROUP C; Ataxia-telangiectasia; ATAXIA-TELANGIECTASIA, COMPLEMENTATION GROUP A; ATAXIA-TELANGIECTASIA, FRESNO VARIANT; LOUIS-BAR SYNDROME. Identifiers: Orphanet 100, MedGen C0004135, MONDO:0008840, OMIM 208900.
Hereditary cancer-predisposing syndrome. Also called: Hereditary Cancer Syndrome; Neoplastic Syndromes, Hereditary; Tumor predisposition; Hereditary neoplastic syndrome. Identifiers: Orphanet 140162, MedGen C0027672, MeSH D009386, MONDO:0015356.

Allele frequency attached by ClinVar (database versions not stated): ExAC 0.00001.
gnomAD v4.1: 2 of 1,604,614 alleles (0.00012%); highest among the groups gnomAD compares: Non-Finnish European, 0.00017%; no homozygotes.

Submissions (4):

Ambry Genetics
Classification: Likely benign for Hereditary cancer-predisposing syndrome. Last evaluated: 2025-02-26. Review status: criteria provided, single submitter. Criteria: Ambry Variant Classification Scheme 2023. Collection method: clinical testing. Allele origin: germline.

Baylor Genetics
Classification: Uncertain significance for Familial cancer of breast. Last evaluated: 2023-09-12. Review status: criteria provided, single submitter. Criteria: ACMG Guidelines, 2015. Collection method: clinical testing. Allele origin: unknown.

Labcorp Genetics (formerly Invitae), Labcorp
Classification: Uncertain significance for Ataxia-telangiectasia syndrome. Last evaluated: 2021-08-20. Review status: criteria provided, single submitter. Criteria: Invitae Variant Classification Sherloc (09022015). Collection method: clinical testing. Allele origin: germline.
Comment: This sequence change replaces alanine with threonine at codon 425 of the ATM protein (p.Ala425Thr). The alanine residue is weakly conserved and there is a small physicochemical difference between alanine and threonine. In summary, the available evidence is currently insufficient to determine the role of this variant in disease. Therefore, it has been classified as a Variant of Uncertain Significance. Advanced modeling of protein sequence and biophysical properties (such as structural, functional, and spatial information, amino acid conservation, physicochemical variation, residue mobility, and thermodynamic stability) performed at Invitae indicates that this missense variant is not expected to disrupt ATM protein function. ClinVar contains an entry for this variant (Variation ID: 631432). This variant has not been reported in the literature in individuals affected with ATM-related conditions. This variant is present in population databases (rs769214234, ExAC 0.002%).

Color Diagnostics, LLC DBA Color Health
Classification: Uncertain significance for Hereditary cancer-predisposing syndrome. Last evaluated: 2019-10-22. Review status: criteria provided, single submitter. Criteria: ACMG Guidelines, 2015. Collection method: clinical testing. Allele origin: germline.
Comment: This missense variant replaces alanine with threonine at codon 425 of the ATM protein. Computational prediction suggests that this variant may not impact protein structure and function (internally defined REVEL score threshold <= 0.5, PMID: 27666373). Splice site prediction tools suggest that this variant may not impact RNA splicing. To our knowledge, functional studies have not been performed for this variant. This variant has not been reported in individuals affected with hereditary cancer in the literature. This variant has been identified in 1/248740 chromosomes in the general population by the Genome Aggregation Database (gnomAD). The available evidence is insufficient to determine the role of this variant in disease conclusively. Therefore, this variant is classified as a Variant of Uncertain Significance.

Literature cited by the submitters: PubMed 26898890 (cited by Ambry Genetics); PubMed 33095795 (cited by Ambry Genetics).

NM_000051.4(ATM):c.1273G>A (p.Ala425Thr)

Gene: ATM (ATM serine/threonine kinase; plus strand). Cytogenetic location: 11q22.3.
Variant type: single nucleotide variant.
Coding change: c.1273G>A on transcript NM_000051.4 (MANE Select); coding-DNA position 1273, G replaced by A.
Protein change: p.Ala425Thr; replaces alanine 425 with threonine.
Molecular consequence: missense variant.
Genome position (GRCh38, 1-based): chr11:108,250,738, G>A. VCF-style: chr11-108250738-G-A. GRCh37 (hg19) VCF-style: chr11-108121465-G-A.
Other names: c.1273G>A, p.Ala425Thr (NM_001351834.2); short protein forms A425T.
Identifiers: ClinVar variation 631432 (VCV000631432.14), dbSNP rs769214234, ClinGen allele CA6264796.